The following is an entry in ClinVar:

NM_000038.6(APC):c.7461C>T (p.Ser2487=)

Gene: APC (APC regulator of Wnt signaling pathway; plus strand). Cytogenetic location: 5q22.2.
Variant type: single nucleotide variant.
Coding change: c.7461C>T on transcript NM_000038.6 (MANE Select); coding-DNA position 7461, C replaced by T.
Protein change: p.Ser2487=; no amino-acid change (serine 2487 retained).
Molecular consequence: synonymous variant. On other transcripts: non-coding transcript variant (2).
Genome position (GRCh38, 1-based): chr5:112,843,055, C>T. VCF-style: chr5-112843055-C-T. GRCh37 (hg19) VCF-style: chr5-112178752-C-T.
Other names: c.7461C>T, p.Ser2487= (NM_001127510.3, NM_001354895.2, NM_001407450.1); c.7407C>T, p.Ser2469= (NM_001127511.3); c.7515C>T, p.Ser2505= (NM_001354896.2, NM_001407447.1, NM_001407448.1 and 1 more transcripts); c.7491C>T, p.Ser2497= (NM_001354897.2); c.7386C>T, p.Ser2462= (NM_001354898.2); c.7377C>T, p.Ser2459= (NM_001354899.2); c.7338C>T, p.Ser2446= (NM_001354900.2); c.7284C>T, p.Ser2428= (NM_001354901.2, NM_001407453.1); and 11 more.
Identifiers: ClinVar variation 1759026 (VCV001759026.3), dbSNP rs1580682885, ClinGen allele CA446210752.

ClinVar aggregate classification (germline): Benign/Likely benign. Review status: criteria provided, multiple submitters, no conflicts (2 of 4 stars). 2 submissions from 2 submitters: Benign (1); Likely benign (1). Last evaluated 2024-04-09.

Conditions:
Hereditary cancer-predisposing syndrome. Also called: Neoplastic Syndromes, Hereditary; Tumor predisposition; Hereditary Cancer Syndrome; Hereditary neoplastic syndrome. Identifiers: Orphanet 140162, MedGen C0027672, MeSH D009386, MONDO:0015356.
Familial adenomatous polyposis 1 (FAP1). Also called: FAMILIAL ADENOMATOUS POLYPOSIS 1, ATTENUATED; POLYPOSIS, ADENOMATOUS INTESTINAL. Identifiers: MedGen C2713442, MONDO:0021056, OMIM 175100. Disease mechanism: loss of function.

gnomAD v4.1: 1 of 1,613,904 alleles (0.000062%); highest among the groups gnomAD compares: Non-Finnish European, 0.000085%; no homozygotes.

Submissions (2):

Myriad Genetics, Inc.
Classification: Benign for Familial adenomatous polyposis 1. Last evaluated: 2024-04-09. Review status: criteria provided, single submitter. Criteria: Myriad Autosomal Dominant, Autosomal Recessive and X-Linked Classification Criteria (2023). Collection method: clinical testing. Allele origin: unknown.
Comment: This variant is considered benign. This variant is a silent/synonymous amino acid change and it is not expected to impact splicing.

Ambry Genetics
Classification: Likely benign for Hereditary cancer-predisposing syndrome. Last evaluated: 2019-07-10. Review status: criteria provided, single submitter. Criteria: Ambry Variant Classification Scheme 2023. Collection method: clinical testing. Allele origin: germline.